The following is an entry in ClinVar:

NM_001127222.2(CACNA1A):c.6630CCA[11] (p.His2218_His2219dup)

Gene: CACNA1A (calcium voltage-gated channel subunit alpha1 A; minus strand). Cytogenetic location: 19p13.13.
Variant type: Microsatellite.
Coding change: c.6630CCA[11] on transcript NM_001127222.2 (MANE Select); 11 copies in a row of the 3-base unit CCA starting at c.6630; the reference has nine copies in a row; two copies, 6 bases duplicated.
Protein change: p.His2218_His2219dup.
Molecular consequence: inframe insertion.
Genome position (GRCh38, 1-based): chr19:13,208,880-13,208,885, TGGTGG duplicated on the plus strand (CCACCA on the coding strand, the reverse complement: CACNA1A is on the minus strand); duplicating any 6 consecutive bases within chr19:13,208,880-13,208,908 gives the same sequence; the position shown is the placement nearest the transcript's 3' end. VCF-style (leftmost placement, unchanged base first): chr19-13208879-A-ATGGTGG. GRCh37 (hg19) VCF-style: chr19-13319693-A-ATGGTGG.
Other names: c.6648CCA[11], p.His2224_His2225dup (NM_000068.4, NM_023035.3); c.6633CCA[11], p.His2219_His2220dup (NM_001127221.2); c.6639CCA[11], p.His2221_His2222dup (NM_001174080.2).
Identifiers: ClinVar variation 506403 (VCV000506403.4), dbSNP rs759331923, ClinGen allele CA631865477.

ClinVar aggregate classification (germline): Likely benign. Review status: criteria provided, multiple submitters, no conflicts (2 of 4 stars). 3 submissions from 3 submitters: Likely benign (3). Last evaluated 2024-02-21.

Conditions:
Inborn genetic diseases. Identifiers: MedGen C0950123, MeSH D030342.

Submissions (3):

Blueprint Genetics
Classification: Likely benign. Last evaluated: 2024-02-21. Review status: criteria provided, single submitter. Criteria: ACMG Guidelines, 2015. Collection method: clinical testing. Allele origin: germline.

GeneDx
Classification: Likely benign. Last evaluated: 2017-12-05. Review status: criteria provided, single submitter. Criteria: GeneDx Variant Classification (06012015). Collection method: clinical testing. Allele origin: germline. Affected: yes.
Comment: This variant is considered likely benign or benign based on one or more of the following criteria: it is a conservative change, it occurs at a poorly conserved position in the protein, it is predicted to be benign by multiple in silico algorithms, and/or has population frequency not consistent with disease.

Ambry Genetics
Classification: Likely benign for Inborn genetic diseases. Last evaluated: 2017-06-23. Review status: criteria provided, single submitter. Criteria: Ambry Variant Classification Scheme 2023. Collection method: clinical testing. Allele origin: germline.